The following is an entry in ClinVar:

NM_017617.5(NOTCH1):c.2115C>T (p.Pro705=)

Gene: NOTCH1 (notch receptor 1; minus strand). Cytogenetic location: 9q34.3.
Variant type: single nucleotide variant.
Coding change: c.2115C>T on transcript NM_017617.5 (MANE Select); coding-DNA position 2115, C replaced by T.
Protein change: p.Pro705=; no amino-acid change (proline 705 retained).
Molecular consequence: synonymous variant.
Genome position (GRCh38, 1-based): chr9:136,514,602, G>A on the plus strand (C>T on the coding strand, the complement: NOTCH1 is on the minus strand). VCF-style: chr9-136514602-G-A. GRCh37 (hg19) VCF-style: chr9-139409054-G-A.
Other names: c.2115C>T (NM_017617.3, NM_017617.4).
Identifiers: ClinVar variation 1561644 (VCV001561644.12), dbSNP rs777838108, ClinGen allele CA5341479.

ClinVar aggregate classification (germline): Likely benign. Review status: criteria provided, multiple submitters, no conflicts (2 of 4 stars). 4 submissions from 4 submitters: Likely benign (3). 1 of the submissions does not count toward it. Last evaluated 2025-11-03.

Conditions:
Adams-Oliver syndrome 5 (AOS5). Identifiers: Orphanet 974, MedGen C4014970, MONDO:0014459, OMIM 616028.
NOTCH1-related disorder. Also called: NOTCH1-related disorders; NOTCH1-related condition.
Familial thoracic aortic aneurysm and aortic dissection (TAAD). Also called: Thoracic aortic aneurysms and dissections. Identifiers: Orphanet 91387, MedGen C4707243, MONDO:0019625.

Allele frequency attached by ClinVar (database versions not stated): ExAC 0.00001; gnomAD exomes 0.00001; TOPMed 0.00001.
gnomAD v4.1: 7 of 1,609,832 alleles (0.00043%); highest among the groups gnomAD compares: Admixed American, 0.005%; no homozygotes.

Submissions (4):

Labcorp Genetics (formerly Invitae), Labcorp
Classification: Likely benign for Adams-Oliver syndrome 5. Last evaluated: 2025-11-03. Review status: criteria provided, single submitter. Criteria: Invitae Variant Classification Sherloc (09022015). Collection method: clinical testing. Allele origin: germline.

Ambry Genetics
Classification: Likely benign for Familial thoracic aortic aneurysm and aortic dissection. Last evaluated: 2025-09-07. Review status: criteria provided, single submitter. Criteria: Ambry Variant Classification Scheme 2023. Collection method: clinical testing. Allele origin: germline.

Blueprint Genetics
Classification: Likely benign. Last evaluated: 2024-01-30. Review status: criteria provided, single submitter. Criteria: ACMG Guidelines, 2015. Collection method: clinical testing. Allele origin: germline.

PreventionGenetics, part of Exact Sciences
Classification: Likely benign for NOTCH1-related condition. Last evaluated: 2021-10-25. Review status: no assertion criteria provided. Collection method: clinical testing. Allele origin: germline. Not counted in ClinVar's aggregate classification.
Comment: This variant is classified as likely benign based on ACMG/AMP sequence variant interpretation guidelines (Richards et al. 2015 PMID: 25741868, with internal and published modifications).